The following is an entry in ClinVar:

ClinVar aggregate classification (germline): Conflicting classifications of pathogenicity. Review status: criteria provided, conflicting classifications (1 of 4 stars). 2 submissions from 2 submitters: Uncertain significance (1); Likely benign (1). Last evaluated 2026-03-14.

Conditions:
Familial hypobetalipoproteinemia 1. Also called: Hypobetalipoproteinemia, normotriglyceridemic; Acanthocytosis with hypobetalipoproteinemia; APOB-Related Familial Hypobetalipoproteinemia. Identifiers: MedGen C4551990, MONDO:0014252, OMIM 615558.
Hypercholesterolemia, autosomal dominant, type B (FHCL2). Also called: Familial Hypercholesterolemia Type B; APOLIPOPROTEIN B-100, FAMILIAL DEFECTIVE; APOLIPOPROTEIN B-100, FAMILIAL LIGAND-DEFECTIVE; HYPERCHOLESTEROLEMIA, FAMILIAL, DUE TO LIGAND-DEFECTIVE APOLIPOPROTEIN B; APOB-Related Familial Hypercholesterolemia, Autosomal Dominant; Hyperlipoproteinemia Type IIb. Identifiers: MedGen C1704417, MONDO:0007751, OMIM 144010.

Allele frequency attached by ClinVar (database versions not stated): TOPMed 0.00005; gnomAD 0.00001; gnomAD exomes 0.00003; ExAC 0.00004.
gnomAD v4.1: 42 of 1,614,012 alleles (0.0026%); highest among the groups gnomAD compares: Admixed American, 0.0033%; 1 homozygote.

Submissions (2):

GeneDx
Classification: Uncertain significance. Last evaluated: 2026-03-14. Review status: criteria provided, single submitter. Criteria: GeneDx Variant Classification Process June 2021. Collection method: clinical testing. Allele origin: germline.
Comment: In silico analysis supports that this missense variant has a deleterious effect on protein structure/function; Has not been previously published as pathogenic or benign to our knowledge; Also known as p.(R777C); This variant is associated with the following publications: (PMID: 33111339)

Labcorp Genetics (formerly Invitae), Labcorp
Classification: Likely benign for Familial hypobetalipoproteinemia 1; Hypercholesterolemia, autosomal dominant, type B. Last evaluated: 2025-11-12. Review status: criteria provided, single submitter. Criteria: Invitae Variant Classification Sherloc (09022015). Collection method: clinical testing. Allele origin: germline.

NM_000384.3(APOB):c.2410C>T (p.Arg804Cys)

Gene: APOB (apolipoprotein B; minus strand). Cytogenetic location: 2p24.1.
Variant type: single nucleotide variant.
Coding change: c.2410C>T on transcript NM_000384.3 (MANE Select); coding-DNA position 2410, C replaced by T.
Protein change: p.Arg804Cys; replaces arginine 804 with cysteine.
Molecular consequence: missense variant.
Genome position (GRCh38, 1-based): chr2:21,024,959, G>A on the plus strand (C>T on the coding strand, the complement: APOB is on the minus strand). VCF-style: chr2-21024959-G-A. GRCh37 (hg19) VCF-style: chr2-21247831-G-A.
Other names: short protein forms R804C.
Identifiers: ClinVar variation 3761012 (VCV003761012.3), dbSNP rs749308859.